The following is an entry in ClinVar:

ClinVar aggregate classification (germline): Uncertain significance (1 of 4 stars; one submission).

Submission:

Labcorp Genetics (formerly Invitae), Labcorp
Classification: Uncertain significance. Last evaluated: 2022-03-11. Review status: criteria provided, single submitter. Criteria: Invitae Variant Classification Sherloc (09022015). Collection method: clinical testing. Allele origin: germline.
Comment: This variant is not present in population databases (gnomAD no frequency). This sequence change replaces proline, which is neutral and non-polar, with leucine, which is neutral and non-polar, at codon 51 of the DIP2C protein (p.Pro51Leu). In summary, the available evidence is currently insufficient to determine the role of this variant in disease. Therefore, it has been classified as a Variant of Uncertain Significance. Algorithms developed to predict the effect of missense changes on protein structure and function (SIFT, PolyPhen-2, Align-GVGD) all suggest that this variant is likely to be tolerated. This variant has not been reported in the literature in individuals affected with DIP2C-related conditions.

NM_014974.3(DIP2C):c.152C>T (p.Pro51Leu)

Gene: DIP2C (DIP2 acetate--CoA ligase C (putative); minus strand). Cytogenetic location: 10p15.3.
Variant type: single nucleotide variant.
Coding change: c.152C>T on transcript NM_014974.3 (MANE Select); coding-DNA position 152, C replaced by T.
Protein change: p.Pro51Leu; replaces proline 51 with leucine.
Molecular consequence: missense variant.
Genome position (GRCh38, 1-based): chr10:486,464, G>A on the plus strand (C>T on the coding strand, the complement: DIP2C is on the minus strand). VCF-style: chr10-486464-G-A. GRCh37 (hg19) VCF-style: chr10-532404-G-A.
Other names: short protein forms P51L.
Identifiers: ClinVar variation 2095397 (VCV002095397.4), dbSNP rs2541260133, ClinGen allele CA375839303.